The following is an entry in ClinVar:

ClinVar aggregate classification (germline): Likely benign. Review status: criteria provided, multiple submitters, no conflicts (2 of 4 stars). 3 submissions from 3 submitters: Likely benign (2). 1 of the submissions does not count toward it. Last evaluated 2026-06-18.

Conditions:
Retinoblastoma (RB1). Also called: RETINOBLASTOMA, SOMATIC. Identifiers: Orphanet 790, MedGen C0035335, MeSH D012175, MONDO:0008380, OMIM 180200, HP:0009919. Disease mechanism: loss of function. Inheritance: Both sporadic and heritable forms are tested..
RB1-related disorder. Also called: RB1-related condition.

Submissions (3):

Myriad Genetics, Inc.
Classification: Likely benign for Retinoblastoma. Last evaluated: 2026-06-18. Review status: criteria provided, single submitter. Criteria: Myriad Autosomal Dominant, Autosomal Recessive and X-Linked Classification Criteria (2023). Collection method: clinical testing. Allele origin: unknown.
Comment: This variant is considered likely benign. This variant is intronic and is not expected to impact mRNA splicing.

Labcorp Genetics (formerly Invitae), Labcorp
Classification: Likely benign for Retinoblastoma. Last evaluated: 2025-11-02. Review status: criteria provided, single submitter. Criteria: Invitae Variant Classification Sherloc (09022015). Collection method: clinical testing. Allele origin: germline.

PreventionGenetics, part of Exact Sciences
Classification: Likely benign for RB1-related condition. Last evaluated: 2023-10-16. Review status: no assertion criteria provided. Collection method: clinical testing. Allele origin: germline. Not counted in ClinVar's aggregate classification.
Comment: This variant is classified as likely benign based on ACMG/AMP sequence variant interpretation guidelines (Richards et al. 2015 PMID: 25741868, with internal and published modifications).

NM_000321.3(RB1):c.501-17_501-15del

Gene: RB1 (RB transcriptional corepressor 1; plus strand). Cytogenetic location: 13q14.2.
Variant type: Deletion.
Coding change: c.501-17_501-15del on transcript NM_000321.3 (MANE Select); 17 bases into the intron before coding-DNA position 501 through 15 bases into the intron before coding-DNA position 501, 3 bases deleted (AAT; older notation c.501-17_501-15delAAT).
Molecular consequence: intron variant.
Genome position (GRCh38, 1-based): chr13:48,347,808-48,347,810, AAT deleted; deleting any 3 consecutive bases within chr13:48,347,806-48,347,810 gives the same sequence; the c. name uses the placement nearest the transcript's 3' end. VCF-style (leftmost placement, unchanged base first): chr13-48347805-CATA-C. GRCh37 (hg19) VCF-style: chr13-48921941-CATA-C.
Other names: c.501-17_501-15delAAT (NM_000321.2).
Identifiers: ClinVar variation 1623881 (VCV001623881.11), dbSNP rs755753209, ClinGen allele CA038366.